The following is an entry in ClinVar:

NM_015102.5(NPHP4):c.3316G>T (p.Val1106Phe)

Gene: NPHP4 (nephrocystin 4; minus strand). Cytogenetic location: 1p36.31.
Variant type: single nucleotide variant.
Coding change: c.3316G>T on transcript NM_015102.5 (MANE Select); coding-DNA position 3316, G replaced by T.
Protein change: p.Val1106Phe; replaces valine 1106 with phenylalanine.
Molecular consequence: missense variant. On other transcripts: non-coding transcript variant (1).
Genome position (GRCh38, 1-based): chr1:5,867,896, C>A on the plus strand (G>T on the coding strand, the complement: NPHP4 is on the minus strand). VCF-style: chr1-5867896-C-A. GRCh37 (hg19) VCF-style: chr1-5927956-C-A.
Other names: c.1777G>T, p.Val593Phe (NM_001291593.2); c.1780G>T, p.Val594Phe (NM_001291594.2); short protein forms V1106F, V593F, V594F.
Identifiers: ClinVar variation 1002828 (VCV001002828.8), dbSNP rs1641420975, ClinGen allele CA338052838.

ClinVar aggregate classification (germline): Uncertain significance (1 of 4 stars; one submission).

Conditions:
Nephronophthisis. Also called: Juvenile Nephronophthisis. Identifiers: Orphanet 655, MedGen C0687120, MONDO:0019005, HP:0000090.

Submission:

Labcorp Genetics (formerly Invitae), Labcorp
Classification: Uncertain significance for Nephronophthisis. Last evaluated: 2021-03-25. Review status: criteria provided, single submitter. Criteria: Invitae Variant Classification Sherloc (09022015). Collection method: clinical testing. Allele origin: germline.
Comment: In summary, the available evidence is currently insufficient to determine the role of this variant in disease. Therefore, it has been classified as a Variant of Uncertain Significance. Algorithms developed to predict the effect of sequence changes on RNA splicing suggest that this variant may disrupt the consensus splice site, but this prediction has not been confirmed by published transcriptional studies. Algorithms developed to predict the effect of missense changes on protein structure and function are either unavailable or do not agree on the potential impact of this missense change (SIFT: "Deleterious"; PolyPhen-2: "Probably Damaging"; Align-GVGD: "Class C0"). This variant has not been reported in the literature in individuals with NPHP4-related conditions. This variant is not present in population databases (ExAC no frequency). This sequence change replaces valine with phenylalanine at codon 1106 of the NPHP4 protein (p.Val1106Phe). The valine residue is highly conserved and there is a small physicochemical difference between valine and phenylalanine.